The following is an entry in ClinVar:

ClinVar aggregate classification (germline): Uncertain significance (1 of 4 stars; one submission).

Conditions:
Inborn genetic diseases. Identifiers: MedGen C0950123, MeSH D030342.

Submission:

Ambry Genetics
Classification: Uncertain significance for Inborn genetic diseases. Last evaluated: 2025-12-22. Review status: criteria provided, single submitter. Criteria: Ambry Variant Classification Scheme 2023. Collection method: clinical testing. Allele origin: germline.
Comment: The p.S786Y variant (also known as c.2357C>A), located in coding exon 20 of the KDM1A gene, results from a C to A substitution at nucleotide position 2357. The serine at codon 786 is replaced by tyrosine, an amino acid with dissimilar properties. This amino acid position is conserved. In addition, this alteration is predicted to be deleterious by in silico analysis. Based on the available evidence, the clinical significance of this variant remains unclear.

NM_001009999.3(KDM1A):c.2357C>A (p.Ser786Tyr)

Gene: KDM1A (lysine demethylase 1A; plus strand). Cytogenetic location: 1p36.12.
Variant type: single nucleotide variant.
Coding change: c.2357C>A on transcript NM_001009999.3 (MANE Select); coding-DNA position 2357, C replaced by A.
Protein change: p.Ser786Tyr; replaces serine 786 with tyrosine.
Molecular consequence: missense variant.
Genome position (GRCh38, 1-based): chr1:23,082,278, C>A. VCF-style: chr1-23082278-C-A. GRCh37 (hg19) VCF-style: chr1-23408771-C-A.
Other names: c.2303C>A, p.Ser768Tyr (NM_001363654.2); c.2363C>A, p.Ser788Tyr (NM_001410762.1); c.2285C>A, p.Ser762Tyr (NM_001410763.1, NM_015013.4); short protein forms S786Y, S762Y, S788Y, S768Y.
Identifiers: ClinVar variation 4841906 (VCV004841906.1).